The following is an entry in ClinVar:

ClinVar aggregate classification (germline): Likely benign (1 of 4 stars; one submission).

Allele frequency attached by ClinVar (database versions not stated): gnomAD 0.00027 and 0.00029; ExAC 0.00015; gnomAD exomes 0.00020 and 0.00013; TOPMed 0.00021.
gnomAD v4.1: 314 of 1,562,670 alleles (0.02%); highest among the groups gnomAD compares: Non-Finnish European, 0.026%; 1 homozygote.

Submission:

GeneDx
Classification: Likely benign. Last evaluated: 2018-01-09. Review status: criteria provided, single submitter. Criteria: GeneDx Variant Classification (06012015). Collection method: clinical testing. Allele origin: germline. Affected: yes.
Comment: This variant is considered likely benign or benign based on one or more of the following criteria: it is a conservative change, it occurs at a poorly conserved position in the protein, it is predicted to be benign by multiple in silico algorithms, and/or has population frequency not consistent with disease.

NM_021971.4(GMPPB):c.-29G>C

Gene: GMPPB (GDP-mannose pyrophosphorylase B; minus strand). Cytogenetic location: 3p21.31.
Variant type: single nucleotide variant.
Coding change: c.-29G>C on transcript NM_021971.4 (MANE Select); 29 bases upstream of the start codon, G replaced by C.
Molecular consequence: 5 prime UTR variant.
Genome position (GRCh38, 1-based): chr3:49,723,755, C>G on the plus strand (G>C on the coding strand, the complement: GMPPB is on the minus strand). VCF-style: chr3-49723755-C-G. GRCh37 (hg19) VCF-style: chr3-49761188-C-G.
Other names: c.-29G>C (NM_013334.4).
Identifiers: ClinVar variation 386752 (VCV000386752.1), dbSNP rs200511393, ClinGen allele CA2405720.